The following is an entry in ClinVar:

ClinVar aggregate classification (germline): Pathogenic/Likely pathogenic. Review status: criteria provided, multiple submitters, no conflicts (2 of 4 stars). 2 submissions from 2 submitters: Pathogenic (1); Likely pathogenic (1). Last evaluated 2025-09-01.

Conditions:
Familial X-linked hypophosphatemic vitamin D refractory rickets (XLHRD). Also called: Hypophosphatemic Rickets, X-Linked Dominant; X-Linked Hypophosphatemia; Hypophosphatemia, vitamin D-resistant rickets; Vitamin D-resistant rickets, X-linked; HYPOPHOSPHATEMIC VITAMIN D-RESISTANT RICKETS. Identifiers: Orphanet 89936, MedGen C0733682, MONDO:0010619, OMIM 307800.

Submissions (2):

Labcorp Genetics (formerly Invitae), Labcorp
Classification: Pathogenic. Last evaluated: 2025-09-01. Review status: criteria provided, single submitter. Criteria: Invitae Variant Classification Sherloc (09022015). Collection method: clinical testing. Allele origin: germline.
Comment: This sequence change replaces alanine, which is neutral and non-polar, with proline, which is neutral and non-polar, at codon 84 of the PHEX protein (p.Ala84Pro). This variant is not present in population databases (gnomAD no frequency). This missense change has been observed in individual(s) with hypophosphatemic rickets (PMID: 34806794, 36672821). In at least one individual the variant was observed to be de novo. ClinVar contains an entry for this variant (Variation ID: 2412819). Invitae Evidence Modeling of protein sequence and biophysical properties (such as structural, functional, and spatial information, amino acid conservation, physicochemical variation, residue mobility, and thermodynamic stability) indicates that this missense variant is expected to disrupt PHEX protein function with a positive predictive value of 95%. For these reasons, this variant has been classified as Pathogenic.

Medical Genetics UMG, Mater Domini University Hospital/ Magna Graecia University of Catanzaro
Classification: Likely pathogenic for Familial X-linked hypophosphatemic vitamin D refractory rickets. Last evaluated: 2021-12-03. Review status: criteria provided, single submitter. Criteria: ACMG Guidelines, 2015. Collection method: clinical testing. Allele origin: de novo. Affected: yes. Observed: 1 hemizygote.
Comment: The c.250G>C (p.Ala84Pro) variant results from a G to C substitution in exon 3 of the PHEX gene, leading to a missense variant from Alanine to Proline in position 84. This variant was found de novo in a patient with XLH in hemizygous state (PMID: 36672821). This variant is absent in gnomAD database. This variant is considered pathogenic by prediction algorithms. Another variant (p.Ala84Asp), at the same amino acid residue was associated with XLHR (PMID: 25042154).

Literature cited by the submitters: PubMed 34806794 (cited by Labcorp Genetics (formerly Invitae), Labcorp); PubMed 36672821 (cited by Labcorp Genetics (formerly Invitae), Labcorp and Medical Genetics UMG, Mater Domini University Hospital/ Magna Graecia University of Catanzaro).

NM_000444.6(PHEX):c.250G>C (p.Ala84Pro)

Gene: PHEX (phosphate regulating endopeptidase X-linked; plus strand). Cytogenetic location: Xp22.11.
Variant type: single nucleotide variant.
Coding change: c.250G>C on transcript NM_000444.6 (MANE Select); coding-DNA position 250, G replaced by C.
Protein change: p.Ala84Pro; replaces alanine 84 with proline.
Molecular consequence: missense variant.
Genome position (GRCh38, 1-based): chrX:22,047,112, G>C. VCF-style: chrX-22047112-G-C. GRCh37 (hg19) VCF-style: chrX-22065230-G-C.
Other names: c.250G>C, p.Ala84Pro (NM_001282754.2); short protein forms A84P.
Identifiers: ClinVar variation 2412819 (VCV002412819.7), dbSNP rs767642869, ClinGen allele CA412567624.
Genomic context (GRCh38, chrX:22,047,112, plus strand): 5'-GCTGCCATCTTAAGTAAAGTAAATCTGTCTGTGGATCCTTGTGATAATTTCTTCCGGTTC[G>C]CTTGTGATGGCTGGATAAGCAATAATCCAATTCCCGAAGATATGCCAAGCTATGGGGTTT-3'
Protein context (NP_000435.3, residues 74-94): VDPCDNFFRF[Ala84Pro]CDGWISNNPI